The following is an entry in ClinVar:

NM_014714.4(IFT140):c.1268C>A (p.Ser423Tyr)

Genes: IFT140 (intraflagellar transport 140; minus strand), LOC105371046 (uncharacterized LOC105371046; plus strand). Cytogenetic location: 16p13.3.
Variant type: single nucleotide variant.
Coding change: c.1268C>A on transcript NM_014714.4 (MANE Select); coding-DNA position 1268, C replaced by A.
Protein change: p.Ser423Tyr; replaces serine 423 with tyrosine.
Molecular consequence: missense variant.
Genome position (GRCh38, 1-based): chr16:1,584,308, G>T on the plus strand (C>A on the coding strand, the complement: IFT140 is on the minus strand). VCF-style: chr16-1584308-G-T. GRCh37 (hg19) VCF-style: chr16-1634309-G-T.
Other names: short protein forms S423Y.
Identifiers: ClinVar variation 2100110 (VCV002100110.4), dbSNP rs1463121305, ClinGen allele CA394214671.

ClinVar aggregate classification (germline): Uncertain significance (1 of 4 stars; one submission).

Conditions:
Saldino-Mainzer syndrome (SRTD9). Also called: CONORENAL SYNDROME; Renal dysplasia, retinal pigmentary dystrophy, cerebellar ataxia and skeletal dysplasia; SHORT-RIB THORACIC DYSPLASIA 9 WITHOUT POLYDACTYLY; short-rib thoracic dysplasia 9 with or without polydactyly. Identifiers: Orphanet 140969, MedGen C1849437, MONDO:0009964, OMIM 266920.

Allele frequency attached by ClinVar (database versions not stated): gnomAD exomes below 0.00001.
gnomAD v4.1: 2 of 1,613,836 alleles (0.00012%); highest among the groups gnomAD compares: Non-Finnish European, 0.00017%; no homozygotes.

Submission:

Labcorp Genetics (formerly Invitae), Labcorp
Classification: Uncertain significance for Saldino-Mainzer syndrome. Last evaluated: 2025-04-17. Review status: criteria provided, single submitter. Criteria: Invitae Variant Classification Sherloc (09022015). Collection method: clinical testing. Allele origin: germline.
Comment: This sequence change replaces serine, which is neutral and polar, with tyrosine, which is neutral and polar, at codon 423 of the IFT140 protein (p.Ser423Tyr). This variant is present in population databases (no rsID available, gnomAD 0.0009%). This variant has not been reported in the literature in individuals affected with IFT140-related conditions. ClinVar contains an entry for this variant (Variation ID: 2100110). Invitae Evidence Modeling of protein sequence and biophysical properties (such as structural, functional, and spatial information, amino acid conservation, physicochemical variation, residue mobility, and thermodynamic stability) has been performed for this missense variant. However, the output from this modeling did not meet the statistical confidence thresholds required to predict the impact of this variant on IFT140 protein function. In summary, the available evidence is currently insufficient to determine the role of this variant in disease. Therefore, it has been classified as a Variant of Uncertain Significance.